The following is an entry in ClinVar:

ClinVar aggregate classification (germline): Conflicting classifications of pathogenicity. Review status: criteria provided, conflicting classifications (1 of 4 stars). 4 submissions from 4 submitters: Uncertain significance (1); Benign (1); Likely benign (2). Last evaluated 2026-05-29.

Conditions:
SLC44A4-related disorder. Also called: SLC44A4-related condition.
Hearing loss, autosomal dominant 72. Also called: DEAFNESS, AUTOSOMAL DOMINANT 72. Identifiers: MedGen C4539886, MONDO:0033259, OMIM 617606.

Submissions (4):

PreventionGenetics, part of Exact Sciences
Classification: Likely benign for SLC44A4-related condition. Last evaluated: 2026-05-29. Review status: criteria provided, single submitter. Criteria: ACMG Guidelines, 2015. Collection method: clinical testing. Allele origin: germline.
Comment: This variant is classified as likely benign based on ACMG/AMP sequence variant interpretation guidelines (Richards et al. 2015 PMID: 25741868, with internal and published modifications).

Labcorp Genetics (formerly Invitae), Labcorp
Classification: Likely benign. Last evaluated: 2025-03-17. Review status: criteria provided, single submitter. Criteria: Invitae Variant Classification Sherloc (09022015). Collection method: clinical testing. Allele origin: germline.

CeGaT Center for Human Genetics Tuebingen
Classification: Benign. Last evaluated: 2022-11-01. Review status: criteria provided, single submitter. Criteria: CeGaT Center For Human Genetics Tuebingen Variant Classification Criteria Version 2. Collection method: clinical testing. Allele origin: germline. Affected: yes. Observed: 1 variant allele.
Comment: SLC44A4: BS1, BS2

Department of Pathology and Laboratory Medicine, Sinai Health System
Classification: Uncertain significance for Hearing loss, autosomal dominant 72. Last evaluated: 2022-02-14. Review status: criteria provided, single submitter. Criteria: ACMG Guidelines, 2015. Collection method: research. Allele origin: germline.

NM_025257.3(SLC44A4):c.40_40+7del

Genes: EHMT2-AS1 (EHMT2 and SLC44A4 antisense RNA 1; plus strand), SLC44A4 (solute carrier family 44 member 4; minus strand). Cytogenetic location: 6p21.33.
Variant type: Deletion.
Coding change: c.40_40+7del on transcript NM_025257.3 (MANE Select); coding-DNA position 40 through 7 bases into the intron after coding-DNA position 40, 8 bases deleted (GGTGAGAC; older notation c.40_40+7delGGTGAGAC).
Molecular consequence: splice donor variant.
Genome position (GRCh38, 1-based): chr6:31,878,934-31,878,941, GTCTCACC deleted on the plus strand (GGTGAGAC on the coding strand, the reverse complement: SLC44A4 is on the minus strand); deleting any 8 consecutive bases within chr6:31,878,934-31,878,943 gives the same sequence; the c. name uses the placement nearest the transcript's 3' end. VCF-style (leftmost placement, unchanged base first): chr6-31878933-AGTCTCACC-A. GRCh37 (hg19) VCF-style: chr6-31846710-AGTCTCACC-A.
Other names: c.40_40+7del (NM_001178044.2); c.40_40+7del8 (NM_025257.2).
Identifiers: ClinVar variation 1879650 (VCV001879650.36), dbSNP rs774865421, ClinGen allele CA3725872.